The following is an entry in ClinVar:

NM_004628.5(XPC):c.2781G>C (p.Lys927Asn)

Gene: XPC (XPC complex subunit, DNA damage recognition and repair factor; minus strand). Cytogenetic location: 3p25.1.
Variant type: single nucleotide variant.
Coding change: c.2781G>C on transcript NM_004628.5 (MANE Select); coding-DNA position 2781, G replaced by C.
Protein change: p.Lys927Asn; replaces lysine 927 with asparagine.
Molecular consequence: missense variant. On other transcripts: non-coding transcript variant (2).
Genome position (GRCh38, 1-based): chr3:14,145,983, C>G on the plus strand (G>C on the coding strand, the complement: XPC is on the minus strand). VCF-style: chr3-14145983-C-G. GRCh37 (hg19) VCF-style: chr3-14187483-C-G.
Other names: c.2202G>C, p.Lys734Asn (NM_001354726.2); c.2775G>C, p.Lys925Asn (NM_001354727.2); c.2763G>C, p.Lys921Asn (NM_001354729.2); c.2535G>C, p.Lys845Asn (NM_001354730.2); short protein forms K734N, K921N, K925N, K845N, K927N.
Identifiers: ClinVar variation 2306529 (VCV002306529.5), dbSNP rs1257420610, ClinGen allele CA351536828.

ClinVar aggregate classification (germline): Uncertain significance. Review status: criteria provided, multiple submitters, no conflicts (2 of 4 stars). 2 submissions from 2 submitters: Uncertain significance (2). Last evaluated 2025-05-06.

Conditions:
Inborn genetic diseases. Identifiers: MedGen C0950123, MeSH D030342.

Allele frequency attached by ClinVar (database versions not stated): TOPMed 0.00001.
gnomAD v4.1: 23 of 1,608,970 alleles (0.0014%); highest among the groups gnomAD compares: Non-Finnish European, 0.002%; no homozygotes.

Submissions (2):

Dasa
Classification: Uncertain significance. Last evaluated: 2025-05-06. Review status: criteria provided, single submitter. Criteria: DASA Assertion Criteria. Collection method: clinical testing. Allele origin: germline.
Comment: NM_004628.5(XPC):c.2781G>C (p.Lys927Asn) is a missense variant that results in the substitution of lysine with asparagine. This variant is rare in population databases. Computational prediction algorithms are consistent with a benign effect. The currently available literature and clinical evidence are not sufficient to establish a definitive association between this variant and the reported condition. Therefore, this variant is classified as a variant of uncertain significance.

Ambry Genetics
Classification: Uncertain significance for Inborn genetic diseases. Last evaluated: 2025-04-18. Review status: criteria provided, single submitter. Criteria: Ambry Variant Classification Scheme 2023. Collection method: clinical testing. Allele origin: germline.